The following is an entry in ClinVar:

NM_001370259.2(MEN1):c.513G>A (p.Arg171=)

Gene: MEN1 (menin 1; minus strand). Cytogenetic location: 11q13.1.
Variant type: single nucleotide variant.
Coding change: c.513G>A on transcript NM_001370259.2 (MANE Select); coding-DNA position 513, G replaced by A.
Protein change: p.Arg171=; no amino-acid change (arginine 171 retained).
Molecular consequence: synonymous variant. On other transcripts: non-coding transcript variant (4).
Genome position (GRCh38, 1-based): chr11:64,808,032, C>T on the plus strand (G>A on the coding strand, the complement: MEN1 is on the minus strand). VCF-style: chr11-64808032-C-T. GRCh37 (hg19) VCF-style: chr11-64575504-C-T.
Other names: c.528G>A, p.Arg176= (NM_001407145.1, NM_000244.4, NM_001407150.1 and 5 more transcripts); c.513G>A, p.Arg171= (NM_001407146.1, NM_001407147.1, NM_001407148.1 and 12 more transcripts).
Identifiers: ClinVar variation 3773486 (VCV003773486.1).

ClinVar aggregate classification (germline): Benign (1 of 4 stars; one submission).

Conditions:
Multiple endocrine neoplasia, type 1 (MEN1). Also called: MEN I; WERMER SYNDROME; Endocrine adenomatosis multiple; MEN 1; MEA I. Identifiers: Orphanet 652, MedGen C0025267, MeSH D018761, MONDO:0007540, OMIM 131100.

Submission:

Myriad Genetics, Inc.
Classification: Benign for Multiple endocrine neoplasia, type 1. Last evaluated: 2024-11-01. Review status: criteria provided, single submitter. Criteria: Myriad Autosomal Dominant, Autosomal Recessive and X-Linked Classification Criteria (2023). Collection method: clinical testing. Allele origin: unknown.
Comment: This variant is considered benign. This variant is a silent/synonymous amino acid change and it is not expected to impact splicing.